The following is an entry in ClinVar:

ClinVar aggregate classification (germline): Uncertain significance (1 of 4 stars; one submission).

Submission:

Dasa
Classification: Uncertain significance. Last evaluated: 2026-04-26. Review status: criteria provided, single submitter. Criteria: DASA Assertion Criteria. Collection method: clinical testing. Allele origin: germline.
Comment: NM_001286.5(CLCN6):c.640C>G (p.Leu214Val) is a missense variant that results in the substitution of leucine with valine. This variant is absent from population databases. The currently available literature and clinical evidence are not sufficient to establish a definitive association between this variant and the reported condition. Therefore, this variant is classified as a variant of uncertain significance.

NM_001286.5(CLCN6):c.640C>G (p.Leu214Val)

Gene: CLCN6 (Cl-/H+ antiporter 6; plus strand). Cytogenetic location: 1p36.22.
Variant type: single nucleotide variant.
Coding change: c.640C>G on transcript NM_001286.5 (MANE Select); coding-DNA position 640, C replaced by G.
Protein change: p.Leu214Val; replaces leucine 214 with valine.
Molecular consequence: missense variant. On other transcripts: non-coding transcript variant (1).
Genome position (GRCh38, 1-based): chr1:11,824,545, C>G. VCF-style: chr1-11824545-C-G. GRCh37 (hg19) VCF-style: chr1-11884602-C-G.
Other names: c.574C>G, p.Leu192Val (NM_001256959.2); short protein forms L192V, L214V.
Identifiers: ClinVar variation 4852672 (VCV004852672.2).